The following is an entry in ClinVar:

ClinVar aggregate classification (germline): Uncertain significance (1 of 4 stars; one submission).

Conditions:
Pitt-Hopkins-like syndrome 2 (PTHSL2). Identifiers: Orphanet 221150, Orphanet 600663, MedGen C3280479, MONDO:0013690, OMIM 614325.

gnomAD v4.1: 7 of 1,607,300 alleles (0.00044%); highest among the groups gnomAD compares: Non-Finnish European, 0.00059%; no homozygotes.

Submission:

Labcorp Genetics (formerly Invitae), Labcorp
Classification: Uncertain significance for Pitt-Hopkins-like syndrome 2. Last evaluated: 2023-05-22. Review status: criteria provided, single submitter. Criteria: Invitae Variant Classification Sherloc (09022015). Collection method: clinical testing. Allele origin: germline.
Comment: This sequence change replaces isoleucine, which is neutral and non-polar, with valine, which is neutral and non-polar, at codon 119 of the NRXN1 protein (p.Ile119Val). This variant is not present in population databases (gnomAD no frequency). This variant has not been reported in the literature in individuals affected with NRXN1-related conditions. ClinVar contains an entry for this variant (Variation ID: 1055614). An algorithm developed to predict the effect of missense changes on protein structure and function (PolyPhen-2) suggests that this variant is likely to be tolerated. In summary, the available evidence is currently insufficient to determine the role of this variant in disease. Therefore, it has been classified as a Variant of Uncertain Significance.

NM_001330078.2(NRXN1):c.355A>G (p.Ile119Val)

Gene: NRXN1 (neurexin 1; minus strand). Cytogenetic location: 2p16.3.
Variant type: single nucleotide variant.
Coding change: c.355A>G on transcript NM_001330078.2 (MANE Select); coding-DNA position 355, A replaced by G.
Protein change: p.Ile119Val; replaces isoleucine 119 with valine.
Molecular consequence: missense variant.
Genome position (GRCh38, 1-based): chr2:51,027,919, T>C on the plus strand (A>G on the coding strand, the complement: NRXN1 is on the minus strand). VCF-style: chr2-51027919-T-C. GRCh37 (hg19) VCF-style: chr2-51255057-T-C.
Other names: c.355A>G, p.Ile119Val (NM_001135659.3, NM_001330077.2, NM_001330079.2 and 15 more transcripts); short protein forms I119V.
Identifiers: ClinVar variation 1055614 (VCV001055614.9), dbSNP rs1332513766, ClinGen allele CA346824178.